The following is an entry in ClinVar:

ClinVar aggregate classification (germline): Uncertain significance (1 of 4 stars; one submission).

Conditions:
Gnathodiaphyseal dysplasia (GDD). Also called: GNATHODIAPHYSEAL SCLEROSIS; OSTEOGENESIS IMPERFECTA WITH UNUSUAL SKELETAL LESIONS. Identifiers: Orphanet 53697, MedGen C1833736, MONDO:0008151, OMIM 166260.
Autosomal recessive limb-girdle muscular dystrophy type 2L (LGMDR12). Also called: Limb-girdle muscular dystrophy, type 2L; MUSCULAR DYSTROPHY, LIMB-GIRDLE, AUTOSOMAL RECESSIVE 12; Limb-Girdle Muscular Dystrophy R12 Anoctamin-5-Related (LGMD-R12). Identifiers: Orphanet 206549, MedGen C1969785, MONDO:0012652, OMIM 611307.

Submission:

Labcorp Genetics (formerly Invitae), Labcorp
Classification: Uncertain significance for Autosomal recessive limb-girdle muscular dystrophy type 2L; Gnathodiaphyseal dysplasia. Last evaluated: 2024-02-29. Review status: criteria provided, single submitter. Criteria: Invitae Variant Classification Sherloc (09022015). Collection method: clinical testing. Allele origin: germline.
Comment: This sequence change affects codon 554 of the ANO5 mRNA. It is a 'silent' change, meaning that it does not change the encoded amino acid sequence of the ANO5 protein. This variant is not present in population databases (gnomAD no frequency). This variant has not been reported in the literature in individuals affected with ANO5-related conditions. Algorithms developed to predict the effect of sequence changes on RNA splicing suggest that this variant may disrupt the consensus splice site. In summary, the available evidence is currently insufficient to determine the role of this variant in disease. Therefore, it has been classified as a Variant of Uncertain Significance.

NM_213599.3(ANO5):c.1662C>T (p.Ser554=)

Gene: ANO5 (anoctamin 5; plus strand). Cytogenetic location: 11p14.3.
Variant type: single nucleotide variant.
Coding change: c.1662C>T on transcript NM_213599.3 (MANE Select); coding-DNA position 1662, C replaced by T.
Protein change: p.Ser554=; no amino-acid change (serine 554 retained).
Molecular consequence: synonymous variant.
Genome position (GRCh38, 1-based): chr11:22,262,160, C>T. VCF-style: chr11-22262160-C-T. GRCh37 (hg19) VCF-style: chr11-22283706-C-T.
Other names: c.1659C>T, p.Ser553= (NM_001142649.2); c.1620C>T, p.Ser540= (NM_001410963.1); c.1617C>T, p.Ser539= (NM_001410964.1).
Identifiers: ClinVar variation 3755013 (VCV003755013.2).
Genomic context (GRCh38, chr11:22,262,160, plus strand): 5'-GCACTAAACATTTTTTTTTAACTTAACAGAAATTCCTCGAACATACCAGGAGTATGAGAG[C>T]AGTCTTACCTTGAAAATGTTCCTGTTTCAGTTTGTAAATTTTTACTCATCCTGCTTCTAC-3'
Protein context (NP_998764.1, residues 544-564): EIPRTYQEYE[Ser554=]SLTLKMFLFQ